The following is an entry in ClinVar:

NM_001430.5(EPAS1):c.1033A>T (p.Ser345Cys)

Gene: EPAS1 (endothelial PAS domain protein 1; plus strand). Cytogenetic location: 2p21.
Variant type: single nucleotide variant.
Coding change: c.1033A>T on transcript NM_001430.5 (MANE Select); coding-DNA position 1033, A replaced by T.
Protein change: p.Ser345Cys; replaces serine 345 with cysteine.
Molecular consequence: missense variant.
Genome position (GRCh38, 1-based): chr2:46,375,836, A>T. VCF-style: chr2-46375836-A-T. GRCh37 (hg19) VCF-style: chr2-46602975-A-T.
Other names: short protein forms S345C.
Identifiers: ClinVar variation 1771800 (VCV001771800.2), dbSNP rs2546470448, ClinGen allele CA346703014.

ClinVar aggregate classification (germline): Uncertain significance (1 of 4 stars; one submission).

Conditions:
Inborn genetic diseases. Identifiers: MedGen C0950123, MeSH D030342.

Submission:

Ambry Genetics
Classification: Uncertain significance for Inborn genetic diseases. Last evaluated: 2022-07-05. Review status: criteria provided, single submitter. Criteria: Ambry Variant Classification Scheme 2023. Collection method: clinical testing. Allele origin: germline.
Comment: The p.S345C variant (also known as c.1033A>T), located in coding exon 8 of the EPAS1 gene, results from an A to T substitution at nucleotide position 1033. The serine at codon 345 is replaced by cysteine, an amino acid with dissimilar properties. This amino acid position is conserved. In addition, the in silico prediction for this alteration is inconclusive. Since supporting evidence is limited at this time, the clinical significance of this alteration remains unclear.